The following is an entry in ClinVar:

ClinVar aggregate classification (germline): Likely benign. Review status: criteria provided, multiple submitters, no conflicts (2 of 4 stars). 2 submissions from 2 submitters: Likely benign (2). Last evaluated 2024-11-26.

Submissions (2):

Blueprint Genetics
Classification: Likely benign. Last evaluated: 2024-11-26. Review status: criteria provided, single submitter. Criteria: ACMG Guidelines, 2015. Collection method: clinical testing. Allele origin: germline.

GeneDx
Classification: Likely benign. Last evaluated: 2017-03-31. Review status: criteria provided, single submitter. Criteria: GeneDx Variant Classification (06012015). Collection method: clinical testing. Allele origin: germline. Affected: yes.
Comment: This variant is considered likely benign or benign based on one or more of the following criteria: it is a conservative change, it occurs at a poorly conserved position in the protein, it is predicted to be benign by multiple in silico algorithms, and/or has population frequency not consistent with disease.

NM_001363118.2(SLC52A2):c.-106AAG[1]

Gene: SLC52A2 (solute carrier family 52 member 2; plus strand). Cytogenetic location: 8q24.3.
Variant type: Microsatellite.
Coding change: c.-106AAG[1] on transcript NM_001363118.2 (MANE Select); one copy of the 3-base unit AAG starting at c.-106; the reference has two copies in a row; one copy, 3 bases deleted.
Molecular consequence: 5 prime UTR variant. On other transcripts: non-coding transcript variant (1).
Genome position (GRCh38, 1-based): chr8:144,359,191-144,359,193, AAG deleted; deleting any 3 consecutive bases within chr8:144,359,186-144,359,193 gives the same sequence; the position shown is the placement nearest the transcript's 3' end. VCF-style (leftmost placement, unchanged base first): chr8-144359185-TAGA-T. GRCh37 (hg19) VCF-style: chr8-145582845-TAGA-T.
Other names: c.-106AAG[1] (NM_001253816.2, NM_001363120.2, NM_001363122.2 and 1 more transcripts).
Identifiers: ClinVar variation 420352 (VCV000420352.2), dbSNP rs538513207, ClinGen allele CA16618611.
Genomic context (GRCh38, chr8:144,359,185, plus strand): 5'-GGTCTCACCCTGTTCTGACTCCGGCTCTGCATCCTATCTGTTTCTCTGTTTCTTTCAAGC[TAGA>T]AGAAGTCTTCACTTCCCAGGAGAGCCAAAGCGTGTCTGGCCCTAGGTGGGAAAAGAACTG-3'